The following is an entry in ClinVar:

ClinVar aggregate classification (germline): Conflicting classifications of pathogenicity. Review status: criteria provided, conflicting classifications (1 of 4 stars). 2 submissions from 2 submitters: Uncertain significance (1); Likely benign (1). Last evaluated 2024-01-29.

Conditions:
Hereditary cancer-predisposing syndrome. Also called: Hereditary Cancer Syndrome; Hereditary neoplastic syndrome; Neoplastic Syndromes, Hereditary; Tumor predisposition. Identifiers: Orphanet 140162, MedGen C0027672, MeSH D009386, MONDO:0015356.

Allele frequency attached by ClinVar (database versions not stated): gnomAD exomes below 0.00001; TOPMed below 0.00001.
gnomAD v4.1: 4 of 1,539,820 alleles (0.00026%); highest among the groups gnomAD compares: Non-Finnish European, 0.00035%; no homozygotes.

Submissions (2):

Color Diagnostics, LLC DBA Color Health
Classification: Uncertain significance for Hereditary cancer-predisposing syndrome. Last evaluated: 2024-01-29. Review status: criteria provided, single submitter. Criteria: ACMG Guidelines, 2015. Collection method: clinical testing. Allele origin: germline.
Comment: This variant is located in the 5' untranslated region of the BARD1 gene. To our knowledge, functional studies have not been reported for this variant. This variant has not been reported in individuals affected with BARD1-related disorders in the literature. This variant has not been identified in the general population by the Genome Aggregation Database (gnomAD). The available evidence is insufficient to determine the role of this variant in disease conclusively. Therefore, this variant is classified as a Variant of Uncertain Significance.

GeneDx
Classification: Likely benign. Last evaluated: 2016-02-19. Review status: criteria provided, single submitter. Criteria: GeneDx Variant Classification (06012015). Collection method: clinical testing. Allele origin: germline. Affected: yes.
Comment: This variant is considered likely benign or benign based on one or more of the following criteria: it is a conservative change, it occurs at a poorly conserved position in the protein, it is predicted to be benign by multiple in silico algorithms, and/or has population frequency not consistent with disease.

NM_000465.4(BARD1):c.-12G>T

Gene: BARD1 (BRCA1 associated RING domain 1; minus strand). Cytogenetic location: 2q35.
Variant type: single nucleotide variant.
Coding change: c.-12G>T on transcript NM_000465.4 (MANE Select); 12 bases upstream of the start codon, G replaced by T.
Molecular consequence: 5 prime UTR variant. On other transcripts: non-coding transcript variant (3).
Genome position (GRCh38, 1-based): chr2:214,809,581, C>A on the plus strand (G>T on the coding strand, the complement: BARD1 is on the minus strand). VCF-style: chr2-214809581-C-A. GRCh37 (hg19) VCF-style: chr2-215674305-C-A.
Other names: c.-12G>T (NM_001282549.2, NM_001282543.2, NM_001282545.2 and 1 more transcripts).
Identifiers: ClinVar variation 384070 (VCV000384070.4), dbSNP rs891171561, ClinGen allele CA16604110.